The following is an entry in ClinVar:

NM_005475.3(SH2B3):c.1447C>T (p.His483Tyr)

Gene: SH2B3 (SH2B adaptor protein 3; plus strand). Cytogenetic location: 12q24.12.
Variant type: single nucleotide variant.
Coding change: c.1447C>T on transcript NM_005475.3 (MANE Select); coding-DNA position 1447, C replaced by T.
Protein change: p.His483Tyr; replaces histidine 483 with tyrosine.
Molecular consequence: missense variant.
Genome position (GRCh38, 1-based): chr12:111,448,021, C>T. VCF-style: chr12-111448021-C-T. GRCh37 (hg19) VCF-style: chr12-111885825-C-T.
Other names: c.841C>T, p.His281Tyr (NM_001291424.1); short protein forms H281Y, H483Y.
Identifiers: ClinVar variation 3795222 (VCV003795222.1).
Genomic context (GRCh38, chr12:111,448,021, plus strand): 5'-CTCTCTTGGTCACTTGTCCTAGGTTCCTGCAACACGGTCCTCTTCCCTTTCTCCCTTCCT[C>T]ACTGGGATTCAGAGTCCCTTCCTCACTGGGGTTCAGAGTTGGGCCTTCCCCACCTTAGTT-3'
Protein context (NP_005466.1, residues 473-493): NTVLFPFSLP[His483Tyr]WDSESLPHWG

ClinVar aggregate classification (germline): Uncertain significance (1 of 4 stars; one submission).

Conditions:
Inborn genetic diseases. Identifiers: MedGen C0950123, MeSH D030342.

gnomAD v4.1: 7 of 1,610,784 alleles (0.00043%); highest among the groups gnomAD compares: Middle Eastern, 0.017%; no homozygotes.

Submission:

Ambry Genetics
Classification: Uncertain significance for Inborn genetic diseases. Last evaluated: 2025-02-26. Review status: criteria provided, single submitter. Criteria: Ambry Variant Classification Scheme 2023. Collection method: clinical testing. Allele origin: germline.
Comment: The p.H483Y variant (also known as c.1447C>T), located in coding exon 7 of the SH2B3 gene, results from a C to T substitution at nucleotide position 1447. The histidine at codon 483 is replaced by tyrosine, an amino acid with similar properties. This amino acid position is conserved. In addition, this alteration is predicted to be tolerated by in silico analysis. Based on the available evidence, the clinical significance of this variant remains unclear.